The following is an entry in ClinVar:

NM_001130987.2(DYSF):c.2350_2351insTGCAGCTCTGGAG (p.Pro784fs)

Gene: DYSF (dysferlin; plus strand). Cytogenetic location: 2p13.2.
Variant type: Insertion.
Coding change: c.2350_2351insTGCAGCTCTGGAG on transcript NM_001130987.2 (MANE Select); coding-DNA positions 2350 to 2351, TGCAGCTCTGGAG inserted.
Protein change: p.Pro784fs; shifts the reading frame from proline 784.
Molecular consequence: frameshift variant.
Genome position: GRCh38 VCF-style: chr2-71561885-C-CTGCAGCTCTGGAG. GRCh37 (hg19) VCF-style: chr2-71789015-C-CTGCAGCTCTGGAG.
Other names: c.2299_2300insTGCAGCTCTGGAG, p.Pro767fs (NM_001130455.2, NM_001130983.2); c.2254_2255insTGCAGCTCTGGAG, p.Pro752fs (NM_001130976.2, NM_001130977.2); c.2296_2297insTGCAGCTCTGGAG, p.Pro766fs (NM_001130978.2, NM_003494.4); c.2389_2390insTGCAGCTCTGGAG, p.Pro797fs (NM_001130979.2); c.2347_2348insTGCAGCTCTGGAG, p.Pro783fs (NM_001130980.2, NM_001130981.2); c.2392_2393insTGCAGCTCTGGAG, p.Pro798fs (NM_001130982.2); c.2257_2258insTGCAGCTCTGGAG, p.Pro753fs (NM_001130984.2, NM_001130986.2); c.2350_2351insTGCAGCTCTGGAG, p.Pro784fs (NM_001130985.2); short protein forms P797fs, P753fs, P766fs, P767fs, P784fs, P798fs, P783fs, P752fs.
Identifiers: ClinVar variation 3661669 (VCV003661669.2).
Genomic context (GRCh38, chr2:71,561,885, plus strand): 5'-CATCACCTGAGCCAAATCACTGAGGCTGCCCTGGCCCTGAAGCTCGGCCACAGTGAGCTC[C>CTGCAGCTCTGGAG]CTGCAGCTCTGGAGCAGGCGGAGGACTGGCTCCTGCGTCTGCGTGCCCTGGCAGAGGAGG-3'

ClinVar aggregate classification (germline): Pathogenic (1 of 4 stars; one submission).

Conditions:
Neuromuscular disease caused by qualitative or quantitative defects of dysferlin. Also called: Dysferlinopathy; Qualitative or quantitative defects of dysferlin. Identifiers: Orphanet 207073, MedGen C2931687, MONDO:0016145.

Submission:

Labcorp Genetics (formerly Invitae), Labcorp
Classification: Pathogenic for Neuromuscular disease caused by qualitative or quantitative defects of dysferlin. Last evaluated: 2024-08-31. Review status: criteria provided, single submitter. Criteria: Invitae Variant Classification Sherloc (09022015). Collection method: clinical testing. Allele origin: germline.
Comment: This sequence change creates a premature translational stop signal (p.Pro766Leufs*103) in the DYSF gene. It is expected to result in an absent or disrupted protein product. Loss-of-function variants in DYSF are known to be pathogenic (PMID: 17698709, 20301480). This variant is present in population databases (no rsID available, gnomAD 0.007%). This variant has not been reported in the literature in individuals affected with DYSF-related conditions. For these reasons, this variant has been classified as Pathogenic.

Literature cited by the submitters: PubMed 17698709; PubMed 20301480.